The following is an entry in ClinVar:

NM_000535.7(PMS2):c.1153A>C (p.Ile385Leu)

Gene: PMS2 (PMS1 homolog 2, mismatch repair system component; minus strand). Cytogenetic location: 7p22.1.
Variant type: single nucleotide variant.
Coding change: c.1153A>C on transcript NM_000535.7 (MANE Select); coding-DNA position 1153, A replaced by C.
Protein change: p.Ile385Leu; replaces isoleucine 385 with leucine.
Molecular consequence: missense variant. On other transcripts: non-coding transcript variant (1), intron variant (1).
Genome position (GRCh38, 1-based): chr7:5,987,612, T>G on the plus strand (A>C on the coding strand, the complement: PMS2 is on the minus strand). VCF-style: chr7-5987612-T-G. GRCh37 (hg19) VCF-style: chr7-6027243-T-G.
Other names: c.748A>C, p.Ile250Leu (NM_001406893.1, NM_001406894.1, NM_001406895.1 and 17 more transcripts); c.688A>C, p.Ile230Leu (NM_001406900.1); c.679A>C, p.Ile227Leu (NM_001406901.1, NM_001406902.1); c.804-4621A>C (NM_001406912.1); c.580A>C, p.Ile194Leu (NM_001322013.2, NM_001406909.1); c.1153A>C, p.Ile385Leu (NM_001322014.2, NM_001406871.1, NM_001406872.1); c.844A>C, p.Ile282Leu (NM_001322015.2, NM_001406875.1, NM_001406877.1 and 5 more transcripts); c.1339A>C, p.Ile447Leu (NM_001406866.1); and 13 more; short protein forms I198L, I214L, I227L, I250L, I279L, I128L, I194L, I263L.
Identifiers: ClinVar variation 2761758 (VCV002761758.3), dbSNP rs2128737297, ClinGen allele CA366742688.

ClinVar aggregate classification (germline): Uncertain significance (1 of 4 stars; one submission).

Conditions:
Hereditary nonpolyposis colorectal neoplasms. Identifiers: MedGen C0009405, MeSH D003123.

Submission:

Labcorp Genetics (formerly Invitae), Labcorp
Classification: Uncertain significance for Hereditary nonpolyposis colorectal neoplasms. Last evaluated: 2023-09-19. Review status: criteria provided, single submitter. Criteria: Invitae Variant Classification Sherloc (09022015). Collection method: clinical testing. Allele origin: germline.
Comment: This variant has not been reported in the literature in individuals affected with PMS2-related conditions. In summary, the available evidence is currently insufficient to determine the role of this variant in disease. Therefore, it has been classified as a Variant of Uncertain Significance. Advanced modeling of protein sequence and biophysical properties (such as structural, functional, and spatial information, amino acid conservation, physicochemical variation, residue mobility, and thermodynamic stability) performed at Invitae indicates that this missense variant is not expected to disrupt PMS2 protein function. This variant is not present in population databases (gnomAD no frequency). This sequence change replaces isoleucine, which is neutral and non-polar, with leucine, which is neutral and non-polar, at codon 385 of the PMS2 protein (p.Ile385Leu).